The following is an entry in ClinVar:

NM_001371928.1(AHDC1):c.2827A>C (p.Thr943Pro)

Gene: AHDC1 (AT-hook DNA binding motif containing 1; minus strand). Cytogenetic location: 1p36.11.
Variant type: single nucleotide variant.
Coding change: c.2827A>C on transcript NM_001371928.1 (MANE Select); coding-DNA position 2827, A replaced by C.
Protein change: p.Thr943Pro; replaces threonine 943 with proline.
Molecular consequence: missense variant.
Genome position (GRCh38, 1-based): chr1:27,549,289, T>G on the plus strand (A>C on the coding strand, the complement: AHDC1 is on the minus strand). VCF-style: chr1-27549289-T-G. GRCh37 (hg19) VCF-style: chr1-27875800-T-G.
Other names: c.2827A>C, p.Thr943Pro (NM_001029882.3); c.2827A>C (NM_001029882.2); short protein forms T943P.
Identifiers: ClinVar variation 715868 (VCV000715868.37), dbSNP rs150289747, ClinGen allele CA715686.

ClinVar aggregate classification (germline): Benign/Likely benign. Review status: criteria provided, multiple submitters, no conflicts (2 of 4 stars). 6 submissions from 6 submitters: Benign (4); Likely benign (2). Last evaluated 2026-02-01.

Conditions:
AHDC1-related intellectual disability - obstructive sleep apnea - mild dysmorphism syndrome. Also called: Xia-Gibbs syndrome. Identifiers: Orphanet 412069, MedGen C4014419, MONDO:0014358, OMIM 615829.
Inborn genetic diseases. Identifiers: MedGen C0950123, MeSH D030342.

Allele frequency attached by ClinVar (database versions not stated): ESP Exome Variant Server 0.00038; gnomAD exomes 0.00046 and 0.00067; gnomAD 0.00050 and 0.00053; ExAC 0.00052; TOPMed 0.00062.
gnomAD v4.1: 790 of 1,603,594 alleles (0.049%); highest among the groups gnomAD compares: Middle Eastern, 0.86%; 3 homozygotes.

Submissions (6):

CeGaT Center for Human Genetics Tuebingen
Classification: Likely benign. Last evaluated: 2026-02-01. Review status: criteria provided, single submitter. Criteria: CeGaT Center For Human Genetics Tuebingen Variant Classification Criteria Version 2. Collection method: clinical testing. Allele origin: germline. Affected: yes. Observed: 4 variant alleles.
Comment: AHDC1: BS1

Labcorp Genetics (formerly Invitae), Labcorp
Classification: Benign. Last evaluated: 2025-12-30. Review status: criteria provided, single submitter. Criteria: Invitae Variant Classification Sherloc (09022015). Collection method: clinical testing. Allele origin: germline.

Genome-Nilou Lab
Classification: Benign for AHDC1-related intellectual disability - obstructive sleep apnea - mild dysmorphism syndrome. Last evaluated: 2021-12-05. Review status: criteria provided, single submitter. Criteria: ACMG Guidelines, 2015. Collection method: clinical testing. Allele origin: germline. Affected: no.

Ambry Genetics
Classification: Likely benign for Inborn genetic diseases. Last evaluated: 2021-08-09. Review status: criteria provided, single submitter. Criteria: Ambry Variant Classification Scheme 2023. Collection method: clinical testing. Allele origin: germline.

GeneDx
Classification: Benign. Last evaluated: 2019-08-21. Review status: criteria provided, single submitter. Criteria: GeneDx Variant Classification Process June 2021. Collection method: clinical testing. Allele origin: germline. Affected: yes.

Breakthrough Genomics
Classification: Benign. Review status: criteria provided, single submitter. Criteria: ACMG Guidelines, 2015. Collection method: not provided. Allele origin: germline. Inheritance: Autosomal dominant inheritance. Affected: yes.